The following is an entry in ClinVar:

NM_021044.4(DHH):c.899T>G (p.Val300Gly)

Gene: DHH (desert hedgehog signaling molecule; minus strand). Cytogenetic location: 12q13.12.
Variant type: single nucleotide variant.
Coding change: c.899T>G on transcript NM_021044.4 (MANE Select); coding-DNA position 899, T replaced by G.
Protein change: p.Val300Gly; replaces valine 300 with glycine.
Molecular consequence: missense variant.
Genome position (GRCh38, 1-based): chr12:49,090,151, A>C on the plus strand (T>G on the coding strand, the complement: DHH is on the minus strand). VCF-style: chr12-49090151-A-C. GRCh37 (hg19) VCF-style: chr12-49483934-A-C.
Other names: short protein forms V300G.
Identifiers: ClinVar variation 4743951 (VCV004743951.1).

ClinVar aggregate classification (germline): Uncertain significance (1 of 4 stars; one submission).

Conditions:
46,XY sex reversal 7. Also called: DHH-Related 46,XY complete gonadal dysgenesis; GONADAL DYSGENESIS, XY, MALE-LIMITED; 46,XY SEX REVERSAL, PARTIAL OR COMPLETE, DHH-RELATED; 46,XY GONADAL DYSGENESIS, PARTIAL OR COMPLETE, DHH-RELATED. Identifiers: Orphanet 242, MedGen C1856273, MONDO:0009301, OMIM 233420.

Submission:

Labcorp Genetics (formerly Invitae), Labcorp
Classification: Uncertain significance for 46,XY sex reversal 7. Last evaluated: 2025-05-18. Review status: criteria provided, single submitter. Criteria: Invitae Variant Classification Sherloc (09022015). Collection method: clinical testing. Allele origin: germline.
Comment: This sequence change replaces valine, which is neutral and non-polar, with glycine, which is neutral and non-polar, at codon 300 of the DHH protein (p.Val300Gly). This variant is not present in population databases (gnomAD no frequency). This variant has not been reported in the literature in individuals affected with DHH-related conditions. Invitae Evidence Modeling of protein sequence and biophysical properties (such as structural, functional, and spatial information, amino acid conservation, physicochemical variation, residue mobility, and thermodynamic stability) indicates that this missense variant is expected to disrupt DHH protein function with a positive predictive value of 80%. In summary, the available evidence is currently insufficient to determine the role of this variant in disease. Therefore, it has been classified as a Variant of Uncertain Significance.